The following is an entry in ClinVar:

ClinVar aggregate classification (germline): Uncertain significance. Review status: criteria provided, single submitter (1 of 4 stars). 2 submissions from 2 submitters: Uncertain significance (1). 1 of the submissions does not count toward it. Last evaluated 2023-08-04.

Conditions:
Biotinidase deficiency. Also called: BTD deficiency; Late-onset biotin-responsive multiple carboxylase deficiency; Biotin deficiency. Identifiers: Orphanet 79241, MedGen C0220754, MONDO:0009665, OMIM 253260.

Submissions (2):

Labcorp Genetics (formerly Invitae), Labcorp
Classification: Uncertain significance for Biotinidase deficiency. Last evaluated: 2023-08-04. Review status: criteria provided, single submitter. Criteria: Invitae Variant Classification Sherloc (09022015). Collection method: clinical testing. Allele origin: germline.
Comment: ClinVar contains an entry for this variant (Variation ID: 554943). This missense change has been observed in individual(s) with partial biotinidase deficiency (PMID: 26361991). This variant is not present in population databases (gnomAD no frequency). This sequence change replaces glutamine, which is neutral and polar, with histidine, which is basic and polar, at codon 285 of the BTD protein (p.Gln285His). Advanced modeling of protein sequence and biophysical properties (such as structural, functional, and spatial information, amino acid conservation, physicochemical variation, residue mobility, and thermodynamic stability) performed at Invitae indicates that this missense variant is expected to disrupt BTD protein function. In summary, the available evidence is currently insufficient to determine the role of this variant in disease. Therefore, it has been classified as a Variant of Uncertain Significance.

Counsyl
Classification: Uncertain significance for Biotinidase deficiency. Last evaluated: 2017-11-09. Review status: no assertion criteria provided. Collection method: clinical testing. Allele origin: unknown. Not counted in ClinVar's aggregate classification.

Literature cited by the submitters: PubMed 26361991 (cited by Labcorp Genetics (formerly Invitae), Labcorp and Counsyl).

NM_001370658.1(BTD):c.795G>C (p.Gln265His)

Gene: BTD (biotinidase; plus strand). Cytogenetic location: 3p25.1.
Variant type: single nucleotide variant.
Coding change: c.795G>C on transcript NM_001370658.1 (MANE Select); coding-DNA position 795, G replaced by C.
Protein change: p.Gln265His; replaces glutamine 265 with histidine.
Molecular consequence: missense variant. On other transcripts: intron variant (1).
Genome position (GRCh38, 1-based): chr3:15,644,711, G>C. VCF-style: chr3-15644711-G-C. GRCh37 (hg19) VCF-style: chr3-15686218-G-C.
Other names: c.795G>C, p.Gln265His (NM_001407377.1, NM_001407378.1, NM_001407379.1 and 18 more transcripts); c.399+2654G>C (NM_001370753.1); c.855G>C, p.Gln285His (NM_000060.4); short protein forms Q265H.
Identifiers: ClinVar variation 554943 (VCV000554943.9), dbSNP rs1553653855, ClinGen allele CA351607367.